The following is an entry in ClinVar:

ClinVar aggregate classification (germline): Benign (1 of 4 stars; one submission).

Conditions:
MELAS syndrome (MELAS). Also called: Juvenile myopathy, encephalopathy, lactic acidosis, stroke. Identifiers: Orphanet 550, MedGen C0162671, MONDO:0010789, OMIM 540000.

Submission:

Wong Mito Lab, Molecular and Human Genetics, Baylor College of Medicine
Classification: Benign for MELAS syndrome. Last evaluated: 2019-07-12. Review status: criteria provided, single submitter. Criteria: Modified ACMG Guidelines (Unpublished). Collection method: clinical testing. Allele origin: germline.
Comment: The NC_012920.1:m.4385A>T variant in MT-TQ gene is interpreted to be a Benign variant based on the modified ACMG guidelines (unpublished). This variant meets the following evidence codes reported in the guidelines: BS1, BS2, BP4

Literature cited by the submitters: PubMed 31965079.

NC_012920.1(MT-TQ):m.4385A>T

Gene: MT-TQ (mitochondrially encoded tRNA glutamine; minus strand).
Variant type: single nucleotide variant.
Genome position: chrM-4385-A-T.
Identifiers: ClinVar variation 689901 (VCV000689901.1), dbSNP rs386828941, ClinGen allele CA337096869.
Genomic context (GRCh38, chrMT:4,385, plus strand): 5'-ATTTCTAGGACTATGAGAATCGAACCCATCCCTGAGAATCCAAAATTCTCCGTGCCACCT[A>T]TCACACCCCATCCTAAAGTAAGGTCAGCTAAATAAGCTATCGGGCCCATACCCCGAAAAT-3'